The following is an entry in ClinVar:

NM_032793.5(MFSD2A):c.1250A>G (p.Gln417Arg)

Gene: MFSD2A (MFSD2 lysolipid transporter A, lysophospholipid; plus strand). Cytogenetic location: 1p34.2.
Variant type: single nucleotide variant.
Coding change: c.1250A>G on transcript NM_032793.5 (MANE Select); coding-DNA position 1250, A replaced by G.
Protein change: p.Gln417Arg; replaces glutamine 417 with arginine.
Molecular consequence: missense variant. On other transcripts: non-coding transcript variant (1).
Genome position (GRCh38, 1-based): chr1:39,968,375, A>G. VCF-style: chr1-39968375-A-G. GRCh37 (hg19) VCF-style: chr1-40434047-A-G.
Other names: c.1289A>G, p.Gln430Arg (NM_001136493.3); c.782A>G, p.Gln261Arg (NM_001287808.2); c.1133A>G, p.Gln378Arg (NM_001287809.2); c.1244A>G, p.Gln415Arg (NM_001349821.2); c.1166A>G, p.Gln389Arg (NM_001349822.2); c.905A>G, p.Gln302Arg (NM_001349823.2); short protein forms Q261R, Q430R, Q302R, Q378R, Q415R, Q389R, Q417R.
Identifiers: ClinVar variation 1376862 (VCV001376862.8), dbSNP rs1332237106, ClinGen allele CA339838809.
Genomic context (GRCh38, chr1:39,968,375, plus strand): 5'-CTGTCACTACTCTGCGCAGGTCCATGCTGCCTGATGTCATTGACGACTTCCATCTGAAGC[A>G]GCCCCACTTCCATGGAACCGAGCCCATCTTCTTCTCCTTCTATGTCTTCTTCACCAAGTT-3'
Protein context (NP_116182.2, residues 407-427): PDVIDDFHLK[Gln417Arg]PHFHGTEPIF

ClinVar aggregate classification (germline): Uncertain significance (1 of 4 stars; one submission).

Allele frequency attached by ClinVar (database versions not stated): gnomAD exomes below 0.00001.
gnomAD v4.1: 6 of 1,614,178 alleles (0.00037%); highest among the groups gnomAD compares: East Asian, 0.0022%; no homozygotes.

Submission:

Labcorp Genetics (formerly Invitae), Labcorp
Classification: Uncertain significance. Last evaluated: 2023-02-14. Review status: criteria provided, single submitter. Criteria: Invitae Variant Classification Sherloc (09022015). Collection method: clinical testing. Allele origin: germline.
Comment: In summary, the available evidence is currently insufficient to determine the role of this variant in disease. Therefore, it has been classified as a Variant of Uncertain Significance. Advanced modeling of protein sequence and biophysical properties (such as structural, functional, and spatial information, amino acid conservation, physicochemical variation, residue mobility, and thermodynamic stability) performed at Invitae indicates that this missense variant is not expected to disrupt MFSD2A protein function. ClinVar contains an entry for this variant (Variation ID: 1376862). This variant has not been reported in the literature in individuals affected with MFSD2A-related conditions. This variant is present in population databases (no rsID available, gnomAD 0.006%). This sequence change replaces glutamine, which is neutral and polar, with arginine, which is basic and polar, at codon 430 of the MFSD2A protein (p.Gln430Arg).